The following is an entry in ClinVar:

NM_004793.4(LONP1):c.1773+4C>T

Gene: LONP1 (lon peptidase 1, mitochondrial; minus strand). Cytogenetic location: 19p13.3.
Variant type: single nucleotide variant.
Coding change: c.1773+4C>T on transcript NM_004793.4 (MANE Select); 4 bases into the intron after coding-DNA position 1773, C replaced by T.
Molecular consequence: intron variant.
Genome position (GRCh38, 1-based): chr19:5,696,666, G>A on the plus strand (C>T on the coding strand, the complement: LONP1 is on the minus strand). VCF-style: chr19-5696666-G-A. GRCh37 (hg19) VCF-style: chr19-5696677-G-A.
Other names: c.1185+4C>T (NM_001276480.1); c.1581+4C>T (NM_001276479.2).
Identifiers: ClinVar variation 1402385 (VCV001402385.7), dbSNP rs370718882, ClinGen allele CA9114521.

ClinVar aggregate classification (germline): Uncertain significance (1 of 4 stars; one submission).

Allele frequency attached by ClinVar (database versions not stated): ESP Exome Variant Server 0.00008.
gnomAD v4.1: 17 of 1,612,622 alleles (0.0011%); highest among the groups gnomAD compares: Middle Eastern, 0.016%; no homozygotes.

Submission:

Labcorp Genetics (formerly Invitae), Labcorp
Classification: Uncertain significance. Last evaluated: 2024-09-29. Review status: criteria provided, single submitter. Criteria: Invitae Variant Classification Sherloc (09022015). Collection method: clinical testing. Allele origin: germline.
Comment: This sequence change falls in intron 11 of the LONP1 gene. It does not directly change the encoded amino acid sequence of the LONP1 protein. It affects a nucleotide within the consensus splice site. This variant is present in population databases (rs370718882, gnomAD 0.02%). This variant has not been reported in the literature in individuals affected with LONP1-related conditions. ClinVar contains an entry for this variant (Variation ID: 1402385). Variants that disrupt the consensus splice site are a relatively common cause of aberrant splicing (PMID: 17576681, 9536098). Algorithms developed to predict the effect of sequence changes on RNA splicing suggest that this variant is not likely to affect RNA splicing. In summary, the available evidence is currently insufficient to determine the role of this variant in disease. Therefore, it has been classified as a Variant of Uncertain Significance.

Literature cited by the submitters: PubMed 17576681; PubMed 9536098.